The following is an entry in ClinVar:

NM_001029883.3(PCARE):c.*1742G>C

Gene: PCARE (photoreceptor cilium actin regulator; minus strand). Cytogenetic location: 2p23.2.
Variant type: single nucleotide variant.
Coding change: c.*1742G>C on transcript NM_001029883.3 (MANE Select); 1742 bases downstream of the stop codon, G replaced by C.
Molecular consequence: 3 prime UTR variant.
Genome position (GRCh38, 1-based): chr2:29,063,127, C>G on the plus strand (G>C on the coding strand, the complement: PCARE is on the minus strand). VCF-style: chr2-29063127-C-G. GRCh37 (hg19) VCF-style: chr2-29285993-C-G.
Identifiers: ClinVar variation 898821 (VCV000898821.4), dbSNP rs138102302, ClinGen allele CA44632003.

ClinVar aggregate classification (germline): Likely benign (1 of 4 stars; one submission).

Conditions:
Retinitis pigmentosa (RP). Identifiers: Orphanet 791, MedGen C0035334, MeSH D012174, MONDO:0019200, OMIM 268000. Inheritance: Autosomal dominant, autosomal recessive and X linked inheritance.

Allele frequency attached by ClinVar (database versions not stated): 1000 Genomes Project 0.01058; gnomAD 0.00817 and 0.00848; TOPMed 0.00855; 1000 Genomes Project 30x 0.01015.

Submission:

Illumina Laboratory Services, Illumina
Classification: Likely benign for Retinitis pigmentosa. Last evaluated: 2018-01-13. Review status: criteria provided, single submitter. Criteria: ICSL Variant Classification Criteria 13 December 2019. Collection method: clinical testing. Allele origin: germline.
Comment: This variant was observed in the ICSL laboratory as part of a predisposition screen in an ostensibly healthy population. It had not been previously curated by ICSL or reported in the Human Gene Mutation Database (HGMD: prior to June 1st, 2018), and was therefore a candidate for classification through an automated scoring system. Utilizing variant allele frequency, disease prevalence and penetrance estimates, and inheritance mode, an automated score was calculated to assess if this variant is too frequent to cause the disease. Based on the score and internal cut-off values, a variant classified as likely benign is not then subjected to further curation. The score for this variant resulted in a classification of likely benign for this disease.